The following is an entry in ClinVar:

ClinVar aggregate classification (germline): Uncertain significance. Review status: criteria provided, multiple submitters, no conflicts (2 of 4 stars). 4 submissions from 4 submitters: Uncertain significance (4). Last evaluated 2024-11-14.

Conditions:
Inborn genetic diseases. Identifiers: MedGen C0950123, MeSH D030342.
PARN-related disorder. Also called: PARN-related condition; PARN-related disorders.
Pulmonary fibrosis and/or bone marrow failure, Telomere-related, 4. Also called: PULMONARY FIBROSIS AND/OR BONE MARROW FAILURE SYNDROME, TELOMERE-RELATED, 4. Identifiers: Orphanet 2032, MedGen C4225347, MONDO:0014612, OMIM 616371.
Dyskeratosis congenita, autosomal recessive 6 (DKCB6). Identifiers: MedGen C4225356, MONDO:0014600, OMIM 616353.

Allele frequency attached by ClinVar (database versions not stated): gnomAD 0.00003; gnomAD exomes 0.00003 and 0.00010; ExAC 0.00004; TOPMed 0.00004; ESP Exome Variant Server 0.00033.
gnomAD v4.1: 149 of 1,613,562 alleles (0.0092%); highest among the groups gnomAD compares: Non-Finnish European, 0.012%; no homozygotes.

Submissions (4):

Labcorp Genetics (formerly Invitae), Labcorp
Classification: Uncertain significance for Dyskeratosis congenita, autosomal recessive 6; Pulmonary fibrosis and/or bone marrow failure, Telomere-related, 4. Last evaluated: 2024-11-14. Review status: criteria provided, single submitter. Criteria: Invitae Variant Classification Sherloc (09022015). Collection method: clinical testing. Allele origin: germline.
Comment: This sequence change replaces valine, which is neutral and non-polar, with alanine, which is neutral and non-polar, at codon 564 of the PARN protein (p.Val564Ala). This variant is present in population databases (rs200433771, gnomAD 0.006%). This variant has not been reported in the literature in individuals affected with PARN-related conditions. ClinVar contains an entry for this variant (Variation ID: 436155). An algorithm developed to predict the effect of missense changes on protein structure and function outputs the following: PolyPhen-2: "Benign". The alanine amino acid residue is found in multiple mammalian species, which suggests that this missense change does not adversely affect protein function. In summary, the available evidence is currently insufficient to determine the role of this variant in disease. Therefore, it has been classified as a Variant of Uncertain Significance.

Ambry Genetics
Classification: Uncertain significance for Inborn genetic diseases. Last evaluated: 2023-11-09. Review status: criteria provided, single submitter. Criteria: Ambry Variant Classification Scheme 2023. Collection method: clinical testing. Allele origin: germline.

PreventionGenetics, part of Exact Sciences
Classification: Uncertain significance for PARN-related condition. Last evaluated: 2023-03-07. Review status: criteria provided, single submitter. Criteria: ACMG Guidelines, 2015. Collection method: clinical testing. Allele origin: germline.
Comment: The PARN c.1691T>C variant is predicted to result in the amino acid substitution p.Val564Ala. To our knowledge, this variant has not been reported in the literature. This variant is reported in 0.0062% of alleles in individuals of European (Non-Finnish) descent in gnomAD. At this time, the clinical significance of this variant is uncertain due to the absence of conclusive functional and genetic evidence.

Genetic Services Laboratory, University of Chicago
Classification: Uncertain significance. Last evaluated: 2016-05-27. Review status: criteria provided, single submitter. Criteria: ACMG Guidelines, 2015. Collection method: clinical testing. Allele origin: germline. Affected: no.

NM_002582.4(PARN):c.1691T>C (p.Val564Ala)

Gene: PARN (poly(A)-specific ribonuclease; minus strand). Cytogenetic location: 16p13.12.
Variant type: single nucleotide variant.
Coding change: c.1691T>C on transcript NM_002582.4 (MANE Select); coding-DNA position 1691, T replaced by C.
Protein change: p.Val564Ala; replaces valine 564 with alanine.
Molecular consequence: missense variant.
Genome position (GRCh38, 1-based): chr16:14,447,061, A>G on the plus strand (T>C on the coding strand, the complement: PARN is on the minus strand). VCF-style: chr16-14447061-A-G. GRCh37 (hg19) VCF-style: chr16-14540918-A-G.
Other names: c.1691T>C, p.Val564Ala (LRG_1286t1); c.1508T>C, p.Val503Ala (NM_001134477.3); c.1553T>C, p.Val518Ala (NM_001242992.2); short protein forms V564A, V503A, V518A.
Identifiers: ClinVar variation 436155 (VCV000436155.18), dbSNP rs200433771, ClinGen allele CA7911943.
Genomic context (GRCh38, chr16:14,447,061, plus strand): 5'-CCTGACACTCCGTCCTCCAGGCCAGCTTCCTCTTGACTAGGACTCAAATTTCTCTTTCCT[A>G]CTGTGCTGGGAGCTGTAAAACTGAAATGCAAAAAGTGGAACAACATAAAAGGTGCTGAGA-3'
Protein context (NP_002573.1, residues 554-574): RNNSFTAPST[Val564Ala]GKRNLSPSQE